The following is an entry in ClinVar:

NM_152383.5(DIS3L2):c.491_514del (p.Val164_Asp171del)

Gene: DIS3L2 (DIS3 like 3'-5' exoribonuclease 2; plus strand). Cytogenetic location: 2q37.1.
Variant type: Deletion.
Coding change: c.491_514del on transcript NM_152383.5 (MANE Select); coding-DNA positions 491 to 514, 24 bases deleted (TCATTGTAGAGGCTCAGTTTGATG).
Protein change: p.Val164_Asp171del.
Molecular consequence: inframe deletion. On other transcripts: non-coding transcript variant (2).
Genome position (GRCh38, 1-based): chr2:232,087,611-232,087,634, TCATTGTAGAGGCTCAGTTTGATG deleted; deleting any 24 consecutive bases within chr2:232,087,606-232,087,634 gives the same sequence; the c. name uses the placement nearest the transcript's 3' end. VCF-style (leftmost placement, unchanged base first): chr2-232087605-CTGATGTCATTGTAGAGGCTCAGTT-C. GRCh37 (hg19) VCF-style: chr2-232952315-CTGATGTCATTGTAGAGGCTCAGTT-C.
Other names: c.491_514delTCATTGTAGAGGCTCAGTTTGATG (NM_152383.4); c.491_514del, p.Val164_Asp171del (NM_001257281.2, NM_001257282.2).
Identifiers: ClinVar variation 531927 (VCV000531927.10), dbSNP rs1553606124, ClinGen allele CA658796202.

ClinVar aggregate classification (germline): Uncertain significance (1 of 4 stars; one submission).

Conditions:
Perlman syndrome (PRLMNS). Identifiers: Orphanet 2849, MedGen C0796113, MONDO:0009965, OMIM 267000.

Submission:

Labcorp Genetics (formerly Invitae), Labcorp
Classification: Uncertain significance for Perlman syndrome. Last evaluated: 2022-12-06. Review status: criteria provided, single submitter. Criteria: Invitae Variant Classification Sherloc (09022015). Collection method: clinical testing. Allele origin: germline.
Comment: ClinVar contains an entry for this variant (Variation ID: 531927). This variant, c.491_514del, results in the deletion of 8 amino acid(s) of the DIS3L2 protein (p.Val164_Asp171del), but otherwise preserves the integrity of the reading frame. This variant is not present in population databases (gnomAD no frequency). This variant has not been reported in the literature in individuals affected with DIS3L2-related conditions. Experimental studies and prediction algorithms are not available or were not evaluated, and the functional significance of this variant is currently unknown. In summary, the available evidence is currently insufficient to determine the role of this variant in disease. Therefore, it has been classified as a Variant of Uncertain Significance.